The following is an entry in ClinVar:

ClinVar aggregate classification (germline): Pathogenic (1 of 4 stars; one submission).

gnomAD v4.1: 4 of 1,552,454 alleles (0.00026%); highest among the groups gnomAD compares: Non-Finnish European, 0.00035%; no homozygotes.

Submission:

Labcorp Genetics (formerly Invitae), Labcorp
Classification: Pathogenic. Last evaluated: 2022-06-28. Review status: criteria provided, single submitter. Criteria: Invitae Variant Classification Sherloc (09022015). Collection method: clinical testing. Allele origin: germline.
Comment: This sequence change creates a premature translational stop signal (p.Trp4163*) in the DNHD1 gene. It is expected to result in an absent or disrupted protein product. Loss-of-function variants in DNHD1 are known to be pathogenic (PMID: 34932939). This variant is not present in population databases (gnomAD no frequency). This variant has not been reported in the literature in individuals affected with DNHD1-related conditions. For these reasons, this variant has been classified as Pathogenic.

Literature cited by the submitters: PubMed 34932939.

NM_144666.3(DNHD1):c.12489G>A (p.Trp4163Ter)

Gene: DNHD1 (dynein heavy chain domain 1; plus strand). Cytogenetic location: 11p15.4.
Variant type: single nucleotide variant.
Coding change: c.12489G>A on transcript NM_144666.3 (MANE Select); coding-DNA position 12489, G replaced by A.
Protein change: p.Trp4163Ter; replaces tryptophan 4163 with a stop codon.
Molecular consequence: nonsense.
Genome position (GRCh38, 1-based): chr11:6,568,193, G>A. VCF-style: chr11-6568193-G-A. GRCh37 (hg19) VCF-style: chr11-6589423-G-A.
Other names: short protein forms W4163*.
Identifiers: ClinVar variation 2070246 (VCV002070246.1), dbSNP rs2494075356, ClinGen allele CA379405190.
Genomic context (GRCh38, chr11:6,568,193, plus strand): 5'-CCAGGCTATGTATGAGGGGCACTGGCTGGTGCTGGACAACTGTCATCTGATGCCCCATTG[G>A]CCGAAAGAGCTGCTACAGCTCTTGCTGGAACTGTTAGGCAGAGCCAAGGGTGAGTTTATT-3'